The following is an entry in ClinVar:

NM_004714.3(DYRK1B):c.1783C>T (p.Arg595Trp)

Gene: DYRK1B (dual specificity tyrosine phosphorylation regulated kinase 1B; minus strand). Cytogenetic location: 19q13.2.
Variant type: single nucleotide variant.
Coding change: c.1783C>T on transcript NM_004714.3 (MANE Select); coding-DNA position 1783, C replaced by T.
Protein change: p.Arg595Trp; replaces arginine 595 with tryptophan.
Molecular consequence: missense variant.
Genome position (GRCh38, 1-based): chr19:39,825,822, G>A on the plus strand (C>T on the coding strand, the complement: DYRK1B is on the minus strand). VCF-style: chr19-39825822-G-A. GRCh37 (hg19) VCF-style: chr19-40316462-G-A.
Other names: c.1663C>T, p.Arg555Trp (NM_006483.3); c.1699C>T, p.Arg567Trp (NM_006484.3); short protein forms R555W, R567W, R595W.
Identifiers: ClinVar variation 3042636 (VCV003042636.3), dbSNP rs753578998, ClinGen allele CA9433920.
Genomic context (GRCh38, chr19:39,825,822, plus strand): 5'-GAGGCCCCAGAGTGGCAGGGTCATCAGGAGGCGGGAGGGGTGGACGACCTCCAGTCATCC[G>A]AGTCCGGAGGGCTGAGGCAGCCGGGTGCTGGGGGGCAGGCGCTGGGTGAGGTGGGGAGCA-3'
Protein context (NP_004705.1, residues 585-605): QHPAASALRT[Arg595Trp]MTGGRPPLPP

ClinVar aggregate classification (germline): Benign. Review status: criteria provided, single submitter (1 of 4 stars). 2 submissions from 2 submitters: Benign (1). 1 of the submissions does not count toward it. Last evaluated 2025-10-16.

Conditions:
DYRK1B-related disorder. Also called: DYRK1B-related condition.

Allele frequency attached by ClinVar (database versions not stated): ExAC 0.00039.
gnomAD v4.1: 132 of 1,608,434 alleles (0.0082%); highest among the groups gnomAD compares: East Asian, 0.17%; no homozygotes.

Submissions (2):

Labcorp Genetics (formerly Invitae), Labcorp
Classification: Benign. Last evaluated: 2025-10-16. Review status: criteria provided, single submitter. Criteria: Invitae Variant Classification Sherloc (09022015). Collection method: clinical testing. Allele origin: germline.

PreventionGenetics, part of Exact Sciences
Classification: Likely benign for DYRK1B-related condition. Last evaluated: 2023-10-09. Review status: no assertion criteria provided. Collection method: clinical testing. Allele origin: germline. Not counted in ClinVar's aggregate classification.
Comment: This variant is classified as likely benign based on ACMG/AMP sequence variant interpretation guidelines (Richards et al. 2015 PMID: 25741868, with internal and published modifications).